The following is an entry in ClinVar:

ClinVar aggregate classification (germline): Uncertain significance/VUS-low. Review status: criteria provided, multiple submitters, no conflicts (2 of 4 stars). 3 submissions from 3 submitters: Uncertain significance (2); VUS-low (1). Last evaluated 2026-01-11.

Conditions:
Dilated cardiomyopathy 1O (CMD1O). Also called: CARDIOMYOPATHY, DILATED, WITH VENTRICULAR TACHYCARDIA. Identifiers: Orphanet 154, MedGen C1837839, MONDO:0012062, OMIM 608569.
Cardiovascular phenotype. Identifiers: MedGen CN230736.

Allele frequency attached by ClinVar (database versions not stated): TOPMed below 0.00001; gnomAD 0.00001; gnomAD exomes 0.00001.
gnomAD v4.1: 8 of 1,607,896 alleles (0.0005%); highest among the groups gnomAD compares: African/African-American, 0.0027%; no homozygotes.

Submissions (3):

Labcorp Genetics (formerly Invitae), Labcorp
Classification: Uncertain significance for Dilated cardiomyopathy 1O. Last evaluated: 2026-01-11. Review status: criteria provided, single submitter. Criteria: Invitae Variant Classification Sherloc (09022015). Collection method: clinical testing. Allele origin: germline.
Comment: This sequence change falls in intron 19 of the ABCC9 gene. It does not directly change the encoded amino acid sequence of the ABCC9 protein. It affects a nucleotide within the consensus splice site. This variant is present in population databases (no rsID available, gnomAD 0.01%). This variant has not been reported in the literature in individuals affected with ABCC9-related conditions. ClinVar contains an entry for this variant (Variation ID: 663014). Variants that disrupt the consensus splice site are a relatively common cause of aberrant splicing (PMID: 17576681, 9536098). Algorithms developed to predict the effect of sequence changes on RNA splicing suggest that this variant is not likely to affect RNA splicing. In summary, the available evidence is currently insufficient to determine the role of this variant in disease. Therefore, it has been classified as a Variant of Uncertain Significance.

Center for Molecular Medicine, Children’s Hospital of Fudan University
Classification: VUS-low for Dilated cardiomyopathy 1O. Last evaluated: 2025-12-12. Review status: criteria provided, single submitter. Criteria: ACMG Guidelines 2015. Collection method: clinical testing. Allele origin: unknown. Affected: yes.
Comment: PM2_PP

Ambry Genetics
Classification: Uncertain significance for Cardiovascular phenotype. Last evaluated: 2024-02-07. Review status: criteria provided, single submitter. Criteria: Ambry Variant Classification Scheme 2023. Collection method: clinical testing. Allele origin: germline.
Comment: The c.2424+3G>A intronic variant results from a G to A substitution 3 nucleotides after coding exon 19 in the ABCC9 gene. This nucleotide position is poorly conserved in available vertebrate species. In silico splice site analysis predicts that this alteration will not have any significant effect on splicing. Based on the available evidence, the clinical significance of this alteration remains unclear.

Literature cited by the submitters: PubMed 17576681 (cited by Labcorp Genetics (formerly Invitae), Labcorp); PubMed 9536098 (cited by Labcorp Genetics (formerly Invitae), Labcorp).

NM_020297.4(ABCC9):c.2424+3G>A

Gene: ABCC9 (ATP binding cassette subfamily C member 9; minus strand). Cytogenetic location: 12p12.1.
Variant type: single nucleotide variant.
Coding change: c.2424+3G>A on transcript NM_020297.4 (MANE Select); 3 bases into the intron after coding-DNA position 2424, G replaced by A.
Molecular consequence: intron variant.
Genome position (GRCh38, 1-based): chr12:21,860,968, C>T on the plus strand (G>A on the coding strand, the complement: ABCC9 is on the minus strand). VCF-style: chr12-21860968-C-T. GRCh37 (hg19) VCF-style: chr12-22013902-C-T.
Other names: c.1557+3G>A (NM_001377274.1); c.2424+3G>A (NM_005691.4, NM_001377273.1, NM_005691.2).
Identifiers: ClinVar variation 663014 (VCV000663014.8), dbSNP rs902015402, ClinGen allele CA233604803.
Genomic context (GRCh38, chr12:21,860,968, plus strand): 5'-AAGACAACCAGAAGACTTTTCTAGATTTTTGTTCATTGCTTAATGAAACTATATATAGCT[C>T]ACCCTCTCTCCAATTTCAGTTTGATCTCCAAATGGTAATAAGTCAATATCTGGCTGAAGA-3'